The following is an entry in ClinVar:

ClinVar aggregate classification (germline): Pathogenic (1 of 4 stars; one submission).

Submission:

Labcorp Genetics (formerly Invitae), Labcorp
Classification: Pathogenic. Last evaluated: 2025-04-27. Review status: criteria provided, single submitter. Criteria: Invitae Variant Classification Sherloc (09022015). Collection method: clinical testing. Allele origin: germline.
Comment: This sequence change creates a premature translational stop signal (p.Trp668*) in the CHAF1A gene. It is expected to result in an absent or disrupted protein product. Loss-of-function variants in CHAF1A are known to be pathogenic (PMID: 39333427). This variant is not present in population databases (gnomAD no frequency). This variant has not been reported in the literature in individuals affected with CHAF1A-related conditions. For these reasons, this variant has been classified as Pathogenic.

Literature cited by the submitters: PubMed 39333427.

NM_005483.3(CHAF1A):c.2004G>A (p.Trp668Ter)

Gene: CHAF1A (chromatin assembly factor 1 subunit A; plus strand). Cytogenetic location: 19p13.3.
Variant type: single nucleotide variant.
Coding change: c.2004G>A on transcript NM_005483.3 (MANE Select); coding-DNA position 2004, G replaced by A.
Protein change: p.Trp668Ter; replaces tryptophan 668 with a stop codon.
Molecular consequence: nonsense.
Genome position (GRCh38, 1-based): chr19:4,432,008, G>A. VCF-style: chr19-4432008-G-A. GRCh37 (hg19) VCF-style: chr19-4432005-G-A.
Other names: short protein forms W668*.
Identifiers: ClinVar variation 4710569 (VCV004710569.1).